The following is an entry in ClinVar:

NM_002691.4(POLD1):c.971-4dup

Gene: POLD1 (DNA polymerase delta 1, catalytic subunit; plus strand). Cytogenetic location: 19q13.33.
Variant type: Duplication.
Coding change: c.971-4dup on transcript NM_002691.4 (MANE Select); 4 bases into the intron before coding-DNA position 971, one base duplicated (G; older notation c.971-4dupG).
Molecular consequence: intron variant.
Genome position (GRCh38, 1-based): chr19:50,403,049, G duplicated. VCF-style (leftmost placement, unchanged base first): chr19-50403048-C-CG. GRCh37 (hg19) VCF-style: chr19-50906305-C-CG.
Other names: c.971-4dup (NM_001256849.1, NM_001308632.1, LRG_785t2 and 1 more transcripts).
Identifiers: ClinVar variation 484356 (VCV000484356.13), dbSNP rs1555790379, ClinGen allele CA633897614.
Genomic context (GRCh38, chr19:50,403,048, plus strand): 5'-CAGCCTCCCTGCTGTGTTGGGAGTGAGGGGCAGGAGTCAGGCCCCTGCATCCTCCTGCCT[C>CG]GCAGGCATCTTCCCTGAGCCTGAGCGGGACCCTGTCATCCAGATCTGCTCGCTGGGCCTG-3'

ClinVar aggregate classification (germline): Uncertain significance. Review status: criteria provided, multiple submitters, no conflicts (2 of 4 stars). 2 submissions from 2 submitters: Uncertain significance (2). Last evaluated 2025-05-28.

Conditions:
Hereditary cancer-predisposing syndrome. Also called: Tumor predisposition; Hereditary Cancer Syndrome; Hereditary neoplastic syndrome; Neoplastic Syndromes, Hereditary. Identifiers: Orphanet 140162, MedGen C0027672, MeSH D009386, MONDO:0015356.
POLD1-related polyposis and colorectal cancer syndrome (CRCS10). Also called: Colorectal cancer 10; COLORECTAL CANCER, SUSCEPTIBILITY TO, ON CHROMOSOME 19q; Colorectal cancer, susceptibility to, 10. Identifiers: Orphanet 220460, MedGen C2675481, MONDO:0012953, OMIM 612591.

Allele frequency attached by ClinVar (database versions not stated): gnomAD exomes below 0.00001 and 0.00001; TOPMed below 0.00001; gnomAD 0.00001.

Submissions (2):

Labcorp Genetics (formerly Invitae), Labcorp
Classification: Uncertain significance for POLD1-related polyposis and colorectal cancer syndrome. Last evaluated: 2025-05-28. Review status: criteria provided, single submitter. Criteria: Invitae Variant Classification Sherloc (09022015). Collection method: clinical testing. Allele origin: germline.
Comment: This sequence change falls in intron 8 of the POLD1 gene. It does not directly change the encoded amino acid sequence of the POLD1 protein. RNA analysis indicates that this variant induces altered splicing and may result in an absent or disrupted protein product. However, the current clinical and genetic evidence is not sufficient to establish whether loss-of-function variants in POLD1 cause disease. This variant is present in population databases (no rsID available, gnomAD 0.002%). This variant has not been reported in the literature in individuals affected with POLD1-related conditions. ClinVar contains an entry for this variant (Variation ID: 484356). Variants that disrupt the consensus splice site are a relatively common cause of aberrant splicing (PMID: 17576681, 9536098). Studies have shown that this variant results in activation of a cryptic splice site and introduces a premature termination codon (internal data). The resulting mRNA is expected to undergo nonsense-mediated decay. In summary, the available evidence is currently insufficient to determine the role of this variant in disease. Therefore, it has been classified as a Variant of Uncertain Significance.

Ambry Genetics
Classification: Uncertain significance for Hereditary cancer-predisposing syndrome. Last evaluated: 2025-02-07. Review status: criteria provided, single submitter. Criteria: Ambry Variant Classification Scheme 2023. Collection method: clinical testing. Allele origin: germline.
Comment: The c.971-4dupG intronic variant is located 4 nucleotide(s) before coding exon 8 of the POLD1 gene. This variant results from a duplication of one nucleotide at position c.971-4dupG. This nucleotide position is poorly conserved in available vertebrate species. In silico splice site analysis for this alteration is inconclusive. Based on the available evidence, the clinical significance of this variant remains unclear.

Literature cited by the submitters: PubMed 17576681 (cited by Labcorp Genetics (formerly Invitae), Labcorp); PubMed 9536098 (cited by Labcorp Genetics (formerly Invitae), Labcorp).